The following is an entry in ClinVar:

ClinVar aggregate classification (germline): Likely benign (1 of 4 stars; one submission).

Allele frequency attached by ClinVar (database versions not stated): gnomAD exomes below 0.00001.
gnomAD v4.1: 1 of 1,613,052 alleles (0.000062%); highest among the groups gnomAD compares: Non-Finnish European, 0.000085%; no homozygotes.

Submission:

GeneDx
Classification: Likely benign. Last evaluated: 2016-03-28. Review status: criteria provided, single submitter. Criteria: GeneDx Variant Classification (06012015). Collection method: clinical testing. Allele origin: germline. Affected: yes.
Comment: This variant is considered likely benign or benign based on one or more of the following criteria: it is a conservative change, it occurs at a poorly conserved position in the protein, it is predicted to be benign by multiple in silico algorithms, and/or has population frequency not consistent with disease.

NM_032043.3(BRIP1):c.507+11T>G

Gene: BRIP1 (BRCA1 interacting DNA helicase 1; minus strand). Cytogenetic location: 17q23.2.
Variant type: single nucleotide variant.
Coding change: c.507+11T>G on transcript NM_032043.3 (MANE Select); 11 bases into the intron after coding-DNA position 507, T replaced by G.
Molecular consequence: intron variant.
Genome position (GRCh38, 1-based): chr17:61,849,118, A>C on the plus strand (T>G on the coding strand, the complement: BRIP1 is on the minus strand). VCF-style: chr17-61849118-A-C. GRCh37 (hg19) VCF-style: chr17-59926479-A-C.
Identifiers: ClinVar variation 385109 (VCV000385109.1), dbSNP rs1057522122, ClinGen allele CA16607798.
Genomic context (GRCh38, chr17:61,849,118, plus strand): 5'-AAACATGATACTTGACTACCATGTTCAGCTGTAACTAACTGGGTTATTTACTGCCAATAA[A>C]CTCTGTTTACCTGCTGTGTAGTTTCTAAGGGTCGAATTCTTTTCTTCTCTACTTGAAAAT-3'